The following is an entry in ClinVar:

NM_001363118.2(SLC52A2):c.543del (p.Gly182fs)

Gene: SLC52A2 (solute carrier family 52 member 2; plus strand). Cytogenetic location: 8q24.3.
Variant type: Deletion.
Coding change: c.543del on transcript NM_001363118.2 (MANE Select); coding-DNA position 543, one base deleted (T; older notation c.543delT).
Protein change: p.Gly182fs; shifts the reading frame from glycine 182.
Molecular consequence: frameshift variant. On other transcripts: non-coding transcript variant (1), intron variant (1).
Genome position (GRCh38, 1-based): chr8:144,360,035, T deleted. VCF-style (leftmost placement, unchanged base first): chr8-144360034-CT-C. GRCh37 (hg19) VCF-style: chr8-145583694-CT-C.
Other names: c.543del, p.Gly182fs (NM_001253815.2, NM_001253816.2, NM_001363120.2 and 2 more transcripts); c.279del, p.Gly94fs (NM_001410949.1); c.131-80del (NM_001363122.2); short protein forms G94fs, G182fs.
Identifiers: ClinVar variation 2847488 (VCV002847488.3), dbSNP rs2489042181, ClinGen allele CA2579280187.
Genomic context (GRCh38, chr8:144,360,034, plus strand): 5'-TGGCCCTAGTGCAGGGTGTGGGCCGCCTCGAGTGCCCGCCAGCCCCCATCAACGGCACCC[CT>C]GGCCCCCCGCTCGACTTCCTTGAGCGTTTTCCCGCCAGCACCTTCTTCTGGGCACTGACT-3'

ClinVar aggregate classification (germline): Pathogenic (1 of 4 stars; one submission).

Conditions:
Brown-Vialetto-van Laere syndrome 2. Also called: SPINOCEREBELLAR ATAXIA WITH BLINDNESS AND DEAFNESS 2; Riboflavin transporter deficiency type 2. Identifiers: Orphanet 572543, Orphanet 97229, MedGen C3553538, MONDO:0013867, OMIM 614707.

Allele frequency attached by ClinVar (database versions not stated): gnomAD exomes below 0.00001.

Submission:

Labcorp Genetics (formerly Invitae), Labcorp
Classification: Pathogenic for Brown-Vialetto-van Laere syndrome 2. Last evaluated: 2023-03-19. Review status: criteria provided, single submitter. Criteria: Invitae Variant Classification Sherloc (09022015). Collection method: clinical testing. Allele origin: germline.
Comment: For these reasons, this variant has been classified as Pathogenic. This variant has not been reported in the literature in individuals affected with SLC52A2-related conditions. This variant is not present in population databases (gnomAD no frequency). This sequence change creates a premature translational stop signal (p.Gly182Alafs*19) in the SLC52A2 gene. It is expected to result in an absent or disrupted protein product. Loss-of-function variants in SLC52A2 are known to be pathogenic (PMID: 24253200).

Literature cited by the submitters: PubMed 24253200.